The following is an entry in ClinVar:

ClinVar aggregate classification (germline): Uncertain significance (1 of 4 stars; one submission).

Conditions:
Hypertrophic cardiomyopathy. Also called: HYPERTROPHIC MYOCARDIOPATHY. Identifiers: Orphanet 217569, MedGen C0007194, MeSH D002312, MONDO:0005045, HP:0001639.

Submission:

Labcorp Genetics (formerly Invitae), Labcorp
Classification: Uncertain significance for Hypertrophic cardiomyopathy. Last evaluated: 2025-12-03. Review status: criteria provided, single submitter. Criteria: Invitae Variant Classification Sherloc (09022015). Collection method: clinical testing. Allele origin: germline.
Comment: This sequence change falls in intron 35 of the MYOM1 gene. It does not directly change the encoded amino acid sequence of the MYOM1 protein. It affects a nucleotide within the consensus splice site. This variant is present in population databases (rs758870863, gnomAD 0.02%). This variant has not been reported in the literature in individuals affected with MYOM1-related conditions. Variants that disrupt the consensus splice site are a relatively common cause of aberrant splicing (PMID: 17576681, 9536098). Algorithms developed to predict the effect of sequence changes on RNA splicing suggest that this variant may disrupt the consensus splice site. In summary, the available evidence is currently insufficient to determine the role of this variant in disease. Therefore, it has been classified as a Variant of Uncertain Significance.

Literature cited by the submitters: PubMed 17576681; PubMed 9536098.

NM_003803.4(MYOM1):c.4685+3_4685+6del

Gene: MYOM1 (myomesin 1; minus strand). Cytogenetic location: 18p11.31.
Variant type: Microsatellite.
Coding change: c.4685+3_4685+6del on transcript NM_003803.4 (MANE Select); bases 3 to 6 of the intron after coding-DNA position 4685, 4 bases deleted (AAGT; older notation c.4685+3_4685+6delAAGT).
Molecular consequence: splice donor variant.
Genome position (GRCh38, 1-based): chr18:3,075,719-3,075,722, ACTT deleted on the plus strand (AAGT on the coding strand, the reverse complement: MYOM1 is on the minus strand); deleting any 4 consecutive bases within chr18:3,075,719-3,075,726 gives the same sequence; the c. name uses the placement nearest the transcript's 3' end. VCF-style (leftmost placement, unchanged base first): chr18-3075718-GACTT-G. GRCh37 (hg19) VCF-style: chr18-3075716-GACTT-G.
Other names: c.4397+3_4397+6del (NM_019856.2); c.4685+3_4685+6delAAGT (NM_003803.3).
Identifiers: ClinVar variation 577536 (VCV000577536.6), dbSNP rs758870863, ClinGen allele CA8873866.
Genomic context (GRCh38, chr18:3,075,718, plus strand): 5'-GAGCAGCATGCAAGCTTCCCGGGAAATTAGTGCATGCAAGTGGCATTTGCTAGGACCAGG[GACTT>G]ACTTCAACCTCTGGAATTCAGCATAGGCCTCATCGTATGCTTTAAAAGAAAAAAGAAAAG-3'